The following is an entry in ClinVar:

ClinVar aggregate classification (germline): Conflicting classifications of pathogenicity. Review status: criteria provided, conflicting classifications (1 of 4 stars). 2 submissions from 2 submitters: Uncertain significance (1); Likely benign (1). Last evaluated 2024-02-27.

Submissions (2):

Ambry Genetics
Classification: Likely benign. Last evaluated: 2024-02-27. Review status: criteria provided, single submitter. Criteria: Ambry Variant Classification Scheme 2023. Collection method: clinical testing. Allele origin: germline.

Quest Diagnostics Nichols Institute San Juan Capistrano
Classification: Uncertain significance. Last evaluated: 2023-09-12. Review status: criteria provided, single submitter. Criteria: Quest Diagnostics criteria. Collection method: clinical testing. Allele origin: unknown.
Comment: In the published literature, this variant has been reported in individuals with breast cancer (PMID: 33471991 (2021), see also LOVD). This variant has not been reported in large, multi-ethnic general populations (Genome Aggregation Database). Analysis of this variant using bioinformatics tools for the prediction of the effect of amino acid changes on protein structure and function yielded predictions that this variant is benign. Based on the available information, we are unable to determine the clinical significance of this variant.

Literature cited by the submitters: PubMed 33471991 (cited by Quest Diagnostics Nichols Institute San Juan Capistrano).

NM_002907.4(RECQL):c.1659G>C (p.Gln553His)

Gene: RECQL (RecQ like helicase; minus strand). Cytogenetic location: 12p12.1.
Variant type: single nucleotide variant.
Coding change: c.1659G>C on transcript NM_002907.4 (MANE Select); coding-DNA position 1659, G replaced by C.
Protein change: p.Gln553His; replaces glutamine 553 with histidine.
Molecular consequence: missense variant.
Genome position (GRCh38, 1-based): chr12:21,471,436, C>G on the plus strand (G>C on the coding strand, the complement: RECQL is on the minus strand). VCF-style: chr12-21471436-C-G. GRCh37 (hg19) VCF-style: chr12-21624370-C-G.
Other names: c.1659G>C, p.Gln553His (NM_032941.3); short protein forms Q553H.
Identifiers: ClinVar variation 1777418 (VCV001777418.3), dbSNP rs1565561502, ClinGen allele CA384114966.